The following is an entry in ClinVar:

ClinVar aggregate classification (germline): Uncertain significance (1 of 4 stars; one submission).

Submission:

Labcorp Genetics (formerly Invitae), Labcorp
Classification: Uncertain significance. Last evaluated: 2023-08-08. Review status: criteria provided, single submitter. Criteria: Invitae Variant Classification Sherloc (09022015). Collection method: clinical testing. Allele origin: germline.
Comment: This variant is not present in population databases (gnomAD no frequency). In summary, the available evidence is currently insufficient to determine the role of this variant in disease. Therefore, it has been classified as a Variant of Uncertain Significance. An algorithm developed to predict the effect of missense changes on protein structure and function (PolyPhen-2) suggests that this variant is likely to be disruptive. This variant has not been reported in the literature in individuals affected with NKX2-1-related conditions. This sequence change replaces proline, which is neutral and non-polar, with arginine, which is basic and polar, at codon 358 of the NKX2-1 protein (p.Pro358Arg).

NM_001079668.3(NKX2-1):c.1073C>G (p.Pro358Arg)

Genes: NKX2-1 (NK2 homeobox 1; minus strand), SFTA3 (surfactant associated 3; minus strand). Cytogenetic location: 14q13.3.
Variant type: single nucleotide variant.
Coding change: c.1073C>G on transcript NM_001079668.3 (MANE Select); coding-DNA position 1073, C replaced by G.
Protein change: p.Pro358Arg; replaces proline 358 with arginine.
Molecular consequence: missense variant.
Genome position (GRCh38, 1-based): chr14:36,517,411, G>C on the plus strand (C>G on the coding strand, the complement: NKX2-1 is on the minus strand). VCF-style: chr14-36517411-G-C. GRCh37 (hg19) VCF-style: chr14-36986616-G-C.
Other names: c.983C>G, p.Pro328Arg (NM_003317.4); short protein forms P358R, P328R.
Identifiers: ClinVar variation 2738048 (VCV002738048.3), dbSNP rs2139405723, ClinGen allele CA389458199.